The following is an entry in ClinVar:

ClinVar aggregate classification (germline): Uncertain significance (1 of 4 stars; one submission).

Conditions:
Hereditary cancer-predisposing syndrome. Also called: Neoplastic Syndromes, Hereditary; Tumor predisposition; Hereditary neoplastic syndrome; Hereditary Cancer Syndrome. Identifiers: Orphanet 140162, MedGen C0027672, MeSH D009386, MONDO:0015356.

Submission:

Ambry Genetics
Classification: Uncertain significance for Hereditary cancer-predisposing syndrome. Last evaluated: 2022-11-26. Review status: criteria provided, single submitter. Criteria: Ambry Variant Classification Scheme 2023. Collection method: clinical testing. Allele origin: germline.
Comment: The p.N1037K variant (also known as c.3111C>G), located in coding exon 15 of the APC gene, results from a C to G substitution at nucleotide position 3111. The asparagine at codon 1037 is replaced by lysine, an amino acid with similar properties. This amino acid position is conserved. In addition, in silico predictors for this gene do not accurately predict pathogenicity. Since supporting evidence is limited at this time, the clinical significance of this alteration remains unclear.

NM_000038.6(APC):c.3111C>G (p.Asn1037Lys)

Gene: APC (APC regulator of Wnt signaling pathway; plus strand). Cytogenetic location: 5q22.2.
Variant type: single nucleotide variant.
Coding change: c.3111C>G on transcript NM_000038.6 (MANE Select); coding-DNA position 3111, C replaced by G.
Protein change: p.Asn1037Lys; replaces asparagine 1037 with lysine.
Molecular consequence: missense variant. On other transcripts: non-coding transcript variant (2).
Genome position (GRCh38, 1-based): chr5:112,838,705, C>G. VCF-style: chr5-112838705-C-G. GRCh37 (hg19) VCF-style: chr5-112174402-C-G.
Other names: c.3111C>G, p.Asn1037Lys (NM_001127510.3, NM_001354895.2, NM_001407450.1); c.3057C>G, p.Asn1019Lys (NM_001127511.3); c.3165C>G, p.Asn1055Lys (NM_001354896.2, NM_001407447.1, NM_001407448.1 and 1 more transcripts); c.3141C>G, p.Asn1047Lys (NM_001354897.2); c.3036C>G, p.Asn1012Lys (NM_001354898.2); c.3027C>G, p.Asn1009Lys (NM_001354899.2); c.2988C>G, p.Asn996Lys (NM_001354900.2); c.2934C>G, p.Asn978Lys (NM_001354901.2, NM_001407453.1); and 11 more; short protein forms N1019K, N1027K, N1047K, N877K, N946K, N1030K, N911K, N996K.
Identifiers: ClinVar variation 2452689 (VCV002452689.2), dbSNP rs1580631002, ClinGen allele CA16028151.